The following is an entry in ClinVar:

ClinVar aggregate classification (germline): Uncertain significance. Review status: criteria provided, multiple submitters, no conflicts (2 of 4 stars). 3 submissions from 3 submitters: Uncertain significance (3). Last evaluated 2025-04-09.

Conditions:
Acute febrile neutrophilic dermatosis (AFND). Also called: Sweet Syndrome; Gomm Button disease. Identifiers: Orphanet 3243, MedGen C0085077, MONDO:0011959, OMIM 608068.
Familial Mediterranean fever (FMF). Also called: POLYSEROSITIS, FAMILIAL PAROXYSMAL; POLYSEROSITIS, RECURRENT; Periodic peritonitis; Benign paroxysmal peritonitis. Identifiers: Orphanet 342, MedGen C0031069, MONDO:0018088, OMIM 249100. Disease mechanism: gain of function.
Familial Mediterranean fever, autosomal dominant. Also called: FMF, AUTOSOMAL DOMINANT; Dominant Familial Mediterranean Fever. Identifiers: Orphanet 342, MedGen C1851347, MONDO:0007601, OMIM 134610.

Submissions (3):

Mayo Clinic Laboratories, Mayo Clinic
Classification: Uncertain significance. Last evaluated: 2025-04-09. Review status: criteria provided, single submitter. Criteria: ACMG Guidelines, 2015. Collection method: clinical testing. Allele origin: germline. Observed: 1 variant allele.

GeneDx
Classification: Uncertain significance. Last evaluated: 2017-03-31. Review status: criteria provided, single submitter. Criteria: GeneDx Variant Classification (06012015). Collection method: clinical testing. Allele origin: germline. Affected: yes.
Comment: The c.941_942delGCinsAT variant in the MEFV gene has not been reported previously as a pathogenic variant, nor as a benign variant, to our knowledge. The c.941_942delGCinsAT variant results in the replacement of the normal Arginine residue at position 314 with a Histidine residue, denoted p.Arg314His. This variant is a conservative amino acid substitution, which occurs at a position that is not conserved. In silico analysis predicts this variant likely does not alter the protein structure/function. The c.941_942delGCinsAT variant is not observed in large population cohorts (Lek et al., 2016; 1000 Genomes Consortium et al., 2015; Exome Variant Server). We interpret c.941_942delGCinsAT as a variant of uncertain significance.

Center for Genomics, Ann and Robert H. Lurie Children's Hospital of Chicago
Classification: Uncertain significance for Acute febrile neutrophilic dermatosis; Familial Mediterranean fever; Familial Mediterranean fever, autosomal dominant. Review status: criteria provided, single submitter. Criteria: ACMG Guidelines, 2015. Collection method: clinical testing. Allele origin: germline.
Comment: This variant has not been reported in the literature and is not present in large control databases. This variant is present in ClinVar (Variation ID:426837). Of note, a variant with the same amino acid effect has been reported in the literature in at least 1 individual with features of Familial Mediterranean Fever (FMF) (Bilge 2021 PMID:30887796) and is present in the Genome Aggregation Database (Highest reported MAF 0.006% (4/68034). Evolutionary conservation and computational predictive tools suggest that this variant may not impact the protein. In summary, data on this variant is insufficient for disease classification. Therefore, the clinical significance of this variant is uncertain.

Literature cited by the submitters: PubMed 30887796 (cited by Mayo Clinic Laboratories, Mayo Clinic).

NM_000243.3(MEFV):c.941_942delinsAT (p.Arg314His)

Gene: MEFV (MEFV innate immunity regulator, pyrin; minus strand). Cytogenetic location: 16p13.3.
Variant type: Indel.
Coding change: c.941_942delinsAT on transcript NM_000243.3 (MANE Select); coding-DNA positions 941 to 942, GC replaced by AT.
Protein change: p.Arg314His; replaces arginine 314 with histidine.
Molecular consequence: missense variant.
Genome position (GRCh38, 1-based): chr16:3,249,749-3,249,750, GC replaced by AT on the plus strand (GC replaced by AT on the coding strand, the reverse complement: MEFV is on the minus strand). VCF-style: chr16-3249749-GC-AT. GRCh37 (hg19) VCF-style: chr16-3299749-GC-AT.
Other names: p.Arg314His; c.941_942delGCinsAT (NM_000243.2); c.308_309delinsAT, p.Arg103His (NM_001198536.2); c.941_942delinsAT (NM_000243.2); short protein forms R103H, R314H.
Identifiers: ClinVar variation 426837 (VCV000426837.5), dbSNP rs1085307824, ClinGen allele CA645294087.